The following is an entry in ClinVar:

ClinVar aggregate classification (germline): Uncertain significance (1 of 4 stars; one submission).

gnomAD v4.1: 3 of 1,613,962 alleles (0.00019%); highest among the groups gnomAD compares: Non-Finnish European, 0.00025%; no homozygotes.

Submission:

Labcorp Genetics (formerly Invitae), Labcorp
Classification: Uncertain significance. Last evaluated: 2024-03-22. Review status: criteria provided, single submitter. Criteria: Invitae Variant Classification Sherloc (09022015). Collection method: clinical testing. Allele origin: germline.
Comment: This sequence change replaces aspartic acid, which is acidic and polar, with glycine, which is neutral and non-polar, at codon 478 of the OSBPL2 protein (p.Asp478Gly). The frequency data for this variant in the population databases is considered unreliable, as metrics indicate poor data quality at this position in the gnomAD database. This variant has not been reported in the literature in individuals affected with OSBPL2-related conditions. An algorithm developed to predict the effect of missense changes on protein structure and function (PolyPhen-2) suggests that this variant is likely to be tolerated. Algorithms developed to predict the effect of sequence changes on RNA splicing suggest that this variant may create or strengthen a splice site. In summary, the available evidence is currently insufficient to determine the role of this variant in disease. Therefore, it has been classified as a Variant of Uncertain Significance.

NM_144498.4(OSBPL2):c.1433A>G (p.Asp478Gly)

Gene: OSBPL2 (oxysterol binding protein like 2; plus strand). Cytogenetic location: 20q13.33.
Variant type: single nucleotide variant.
Coding change: c.1433A>G on transcript NM_144498.4 (MANE Select); coding-DNA position 1433, A replaced by G.
Protein change: p.Asp478Gly; replaces aspartic acid 478 with glycine.
Molecular consequence: missense variant.
Genome position (GRCh38, 1-based): chr20:62,293,877, A>G. VCF-style: chr20-62293877-A-G. GRCh37 (hg19) VCF-style: chr20-60868933-A-G.
Other names: c.1033A>G, p.Ile345Val (NM_001278649.3); c.1157A>G, p.Asp386Gly (NM_001363878.2); c.1397A>G, p.Asp466Gly (NM_014835.5); short protein forms D478G, D386G, D466G, I345V.
Identifiers: ClinVar variation 3696362 (VCV003696362.2).